The following is an entry in ClinVar:

ClinVar aggregate classification (germline): Uncertain significance. Review status: criteria provided, multiple submitters, no conflicts (2 of 4 stars). 3 submissions from 3 submitters: Uncertain significance (3). Last evaluated 2026-04-21.

Conditions:
CFTR-related disorder (CFTR-RD). Also called: CFTR-related condition; CFTR-related disorders. Identifiers: MedGen C5924204, MONDO:7770004.
Cystic fibrosis (CF). Also called: MUCOVISCIDOSIS. Identifiers: Orphanet 586, MedGen C0010674, MONDO:0009061, OMIM 219700. Disease mechanism: loss of function.

Allele frequency attached by ClinVar (database versions not stated): gnomAD exomes below 0.00001; TOPMed 0.00002.
gnomAD v4.1: 3 of 1,612,566 alleles (0.00019%); highest among the groups gnomAD compares: African/African-American, 0.0013%; no homozygotes.

Submissions (3):

Women's Health and Genetics/Laboratory Corporation of America, LabCorp
Classification: Uncertain significance. Last evaluated: 2026-04-21. Review status: criteria provided, single submitter. Criteria: LabCorp Variant Classification Summary - May 2015. Collection method: clinical testing. Allele origin: germline.
Comment: Variant summary: CFTR c.190A>G (p.Lys64Glu) results in a conservative amino acid change in the encoded protein sequence. Algorithms developed to predict the effect of missense changes on protein structure and function are either unavailable or do not agree on the potential impact of this missense change. The variant allele was found at a frequency of 4e-06 in 250968 control chromosomes. The available data on variant occurrences in the general population are insufficient to allow any conclusion about variant significance. To our knowledge, no occurrence of c.190A>G in individuals affected with CFTR-related conditions and no experimental evidence demonstrating its impact on protein function have been reported. ClinVar contains an entry for this variant (Variation ID: 2447394). Based on the evidence outlined above, the variant was classified as uncertain significance.

PreventionGenetics, part of Exact Sciences
Classification: Uncertain significance for CFTR-related condition. Last evaluated: 2025-06-24. Review status: criteria provided, single submitter. Criteria: ACMG Guidelines, 2015. Collection method: clinical testing. Allele origin: germline.
Comment: The CFTR c.190A>G variant is predicted to result in the amino acid substitution p.Lys64Glu. To our knowledge, this variant has not been reported in the literature. This variant is reported in 0.0040% of alleles in individuals of African descent in gnomAD. At this time, the clinical significance of this variant is uncertain due to the absence of conclusive functional and genetic evidence.

Ambry Genetics
Classification: Uncertain significance for Cystic fibrosis. Last evaluated: 2023-03-10. Review status: criteria provided, single submitter. Criteria: Ambry Variant Classification Scheme 2023. Collection method: clinical testing. Allele origin: germline.
Comment: The p.K64E variant (also known as c.190A>G), located in coding exon 3 of the CFTR gene, results from an A to G substitution at nucleotide position 190. The lysine at codon 64 is replaced by glutamic acid, an amino acid with similar properties. This amino acid position is highly conserved in available vertebrate species. In addition, this alteration is predicted to be deleterious by in silico analysis. Since supporting evidence is limited at this time, the clinical significance of this alteration remains unclear.

Literature cited by the submitters: PubMed 35072004 (cited by Women's Health and Genetics/Laboratory Corporation of America, LabCorp).

NM_000492.4(CFTR):c.190A>G (p.Lys64Glu)

Genes: CFTR (CF transmembrane conductance regulator; plus strand), LOC113664106 (CFTR intron 2 DNase I hypersensitive site; plus strand). Cytogenetic location: 7q31.2.
Variant type: single nucleotide variant.
Coding change: c.190A>G on transcript NM_000492.4 (MANE Select); coding-DNA position 190, A replaced by G.
Protein change: p.Lys64Glu; replaces lysine 64 with glutamic acid.
Molecular consequence: missense variant.
Genome position (GRCh38, 1-based): chr7:117,509,059, A>G. VCF-style: chr7-117509059-A-G. GRCh37 (hg19) VCF-style: chr7-117149113-A-G.
Other names: short protein forms K64E.
Identifiers: ClinVar variation 2447394 (VCV002447394.7), dbSNP rs1463491110, ClinGen allele CA368972149.